The following is an entry in ClinVar:

ClinVar aggregate classification (germline): Uncertain significance. Review status: criteria provided, multiple submitters, no conflicts (2 of 4 stars). 2 submissions from 2 submitters: Uncertain significance (2). Last evaluated 2025-01-12.

Conditions:
Familial hemiplegic migraine. Identifiers: MedGen C0338484, MONDO:0000700.

Allele frequency attached by ClinVar (database versions not stated): gnomAD exomes below 0.00001 and 0.00001.

Submissions (2):

Labcorp Genetics (formerly Invitae), Labcorp
Classification: Uncertain significance for Familial hemiplegic migraine. Last evaluated: 2025-01-12. Review status: criteria provided, single submitter. Criteria: Invitae Variant Classification Sherloc (09022015). Collection method: clinical testing. Allele origin: germline.
Comment: This sequence change replaces arginine, which is basic and polar, with cysteine, which is neutral and slightly polar, at codon 92 of the ATP1A2 protein (p.Arg92Cys). This variant is present in population databases (rs796052278, gnomAD 0.006%). This variant has not been reported in the literature in individuals affected with ATP1A2-related conditions. ClinVar contains an entry for this variant (Variation ID: 204903). Invitae Evidence Modeling of protein sequence and biophysical properties (such as structural, functional, and spatial information, amino acid conservation, physicochemical variation, residue mobility, and thermodynamic stability) indicates that this missense variant is not expected to disrupt ATP1A2 protein function with a negative predictive value of 80%. In summary, the available evidence is currently insufficient to determine the role of this variant in disease. Therefore, it has been classified as a Variant of Uncertain Significance.

GeneDx
Classification: Uncertain significance. Last evaluated: 2018-10-25. Review status: criteria provided, single submitter. Criteria: GeneDx Variant Classification (06012015). Collection method: clinical testing. Allele origin: germline. Affected: yes.
Comment: A variant of uncertain significance has been identified in the ATP1A2 gene. The R92C variant has not been published as a pathogenic variant, nor has it been reported as a benign variant to our knowledge. The R92C variant is observed in 2/30782 (0.01%) alleles from individuals of South Asian background (Lek et al., 2016). The R92C variant is a non-conservative amino acid substitution, which is likely to impact secondary protein structure as these residues differ in polarity, charge, size and/or other properties. In-silico analyses, including protein predictors and evolutionary conservation, support a deleterious effect. However, missense variants in nearby residues have not been reported in the Human Gene Mutation Database in individuals with ATP1A2-related disorders (Stenson et al., 2014). Therefore, based on the currently available information, it is unclear whether this variant is a pathogenic variant or a rare benign variant.

NM_000702.4(ATP1A2):c.274C>T (p.Arg92Cys)

Gene: ATP1A2 (ATPase Na+/K+ transporting subunit alpha 2; plus strand). Cytogenetic location: 1q23.2.
Variant type: single nucleotide variant.
Coding change: c.274C>T on transcript NM_000702.4 (MANE Select); coding-DNA position 274, C replaced by T.
Protein change: p.Arg92Cys; replaces arginine 92 with cysteine.
Molecular consequence: missense variant.
Genome position (GRCh38, 1-based): chr1:160,123,309, C>T. VCF-style: chr1-160123309-C-T. GRCh37 (hg19) VCF-style: chr1-160093099-C-T.
Other names: p.R92C:CGT>TGT; short protein forms R92C.
Identifiers: ClinVar variation 204903 (VCV000204903.4), dbSNP rs796052278, ClinGen allele CA313328.